The following is an entry in ClinVar:

NM_002225.5(IVD):c.1232G>A (p.Arg411Gln)

Gene: IVD (isovaleryl-CoA dehydrogenase; plus strand). Cytogenetic location: 15q15.1.
Variant type: single nucleotide variant.
Coding change: c.1232G>A on transcript NM_002225.5 (MANE Select); coding-DNA position 1232, G replaced by A.
Protein change: p.Arg411Gln; replaces arginine 411 with glutamine.
Molecular consequence: missense variant. On other transcripts: intron variant (3).
Genome position (GRCh38, 1-based): chr15:40,418,223, G>A. VCF-style: chr15-40418223-G-A. GRCh37 (hg19) VCF-style: chr15-40710422-G-A.
Other names: c.1142G>A, p.Arg381Gln (NM_001159508.3); c.1184G>A, p.Arg395Gln (NM_001354597.3); c.1319G>A, p.Arg440Gln (NM_001354599.3); c.1225+1861G>A (NM_001354600.3); c.1138+1861G>A (NM_001354598.3, NM_001354601.3); short protein forms R440Q, R381Q, R395Q, R411Q.
Identifiers: ClinVar variation 450659 (VCV000450659.24), dbSNP rs143348838, ClinGen allele CA7480924.
Genomic context (GRCh38, chr15:40,418,223, plus strand): 5'-GCCGCTTTCTTCGAGATGCCAAGCTGTATGAGATAGGGGCTGGGACCAGCGAGGTGAGGC[G>A]GCTGGTCATCGGCAGAGCCTTCAATGCAGACTTTCACTAGTCCTGAGACCCTTCGCCCCC-3'
Protein context (NP_002216.3, residues 401-421): EIGAGTSEVR[Arg411Gln]LVIGRAFNAD

ClinVar aggregate classification (germline): Conflicting classifications of pathogenicity. Review status: criteria provided, conflicting classifications (1 of 4 stars). 12 submissions from 12 submitters: Pathogenic (1); Likely pathogenic (7); Uncertain significance (3). 1 of the submissions does not count toward it. Last evaluated 2025-12-08.

Conditions:
IVD-related disorder. Also called: IVD-related condition.
Isovaleryl-CoA dehydrogenase deficiency (IVA). Also called: Classic Isovaleric Acidemia; ISOVALERIC ACID CoA DEHYDROGENASE DEFICIENCY; Isovaleric acidemia; IVD DEFICIENCY. Identifiers: Orphanet 33, MedGen C0268575, MONDO:0009475, OMIM 243500.

Allele frequency attached by ClinVar (database versions not stated): gnomAD exomes 0.00003 and 0.00006; gnomAD 0.00004; TOPMed 0.00005; ExAC 0.00006; ESP Exome Variant Server 0.00008; 1000 Genomes Project 30x 0.00016; 1000 Genomes Project 0.00020.
gnomAD v4.1: 58 of 1,614,192 alleles (0.0036%); highest among the groups gnomAD compares: South Asian, 0.0022%; no homozygotes.

Submissions (12):

Labcorp Genetics (formerly Invitae), Labcorp
Classification: Pathogenic for Isovaleryl-CoA dehydrogenase deficiency. Last evaluated: 2025-12-08. Review status: criteria provided, single submitter. Criteria: Invitae Variant Classification Sherloc (09022015). Collection method: clinical testing. Allele origin: germline.
Comment: This sequence change replaces arginine, which is basic and polar, with glutamine, which is neutral and polar, at codon 414 of the IVD protein (p.Arg414Gln). This variant is present in population databases (rs143348838, gnomAD 0.1%). This missense change has been observed in individual(s) with isovaleric acidemia (PMID: 30159853, 34535384; internal data). This variant is also known as c.1232G>A, p.R411Q. ClinVar contains an entry for this variant (Variation ID: 450659). An algorithm developed to predict the effect of missense changes on protein structure and function (PolyPhen-2) suggests that this variant is likely to be disruptive. Experimental studies have shown that this missense change affects IVD function (PMID: 34535384). This variant disrupts the p.Arg414 amino acid residue in IVD. Other variant(s) that disrupt this residue have been observed in individuals with IVD-related conditions (PMID: 9665741, 25220015; internal data), which suggests that this may be a clinically significant amino acid residue. For these reasons, this variant has been classified as Pathogenic.

Variantyx, Inc.
Classification: Likely pathogenic for Isovaleryl-CoA dehydrogenase deficiency. Last evaluated: 2025-10-15. Review status: criteria provided, single submitter. Criteria: Variantyx Assertion Criteria 2022. Collection method: clinical testing. Allele origin: germline. Inheritance: Autosomal recessive inheritance. Affected: yes.
Comment: This is a nonsynonymous variant in the IVD gene (OMIM: 607036). Pathogenic variants in this gene have been associated with autosomal recessive isovaleric acidemia. The clinical symptoms reported for this individual are highly specific for autosomal recessive isovaleric acidemia, which has a limited genetic etiology (PMID: 38484105) (PP4). This variant has been identified in the homozygous or compound heterozygous state in at least one individual reported in the published literature (PMID: 34535384) (PM3). Functional studies have shown that this variant alters IVD protein function (PMID: 34535384) (PS3) and multiple computational algorithms predict a deleterious effect for this variant (REVEL score: 0.964) (PP3). This variant has a 0.0022% maximum allele frequency in non-founder control populations (PM2). Based on the current evidence, this variant is classified as likely pathogenic for autosomal recessive isovaleric acidemia.

PreventionGenetics, part of Exact Sciences
Classification: Likely pathogenic for IVD-related condition. Last evaluated: 2025-10-01. Review status: criteria provided, single submitter. Criteria: ACMG Guidelines, 2015. Collection method: clinical testing. Allele origin: germline.
Comment: The IVD c.1241G>A variant is predicted to result in the amino acid substitution p.Arg414Gln. This variant has also been reported in the heterozygous state, without a second variant, in an individual with IVA (Molema et al. 2018. PubMed ID: 30159853). Activity of the isovaleryl-CoA dehydrogenase enzyme was significantly reduced in patient fibroblasts, and was absent in an expression study using HEK293T cells (D'Annibale et al. 2021. PubMed ID: 34535384). Different substitutions impacting the same amino acid (p.Arg414Leu, p.Arg414Trp) have been reported in individuals with isovaleric acidemia (p.Arg414Leu described as G1232A (Arg382Leu) in Mohsen et al. 1998. PubMed ID: 9665741; p.Arg414Trp described as c.1231C>T, p.Arg382Trp in Ozgul et al. 2014. PubMed ID: 25220015). This variant is reported in 0.12% of alleles in individuals of Ashkenazi Jewish descent in gnomAD. Based on the collective evidence, this variant is interpreted as likely pathogenic.

Natera, Inc.
Classification: Likely pathogenic for Isovaleryl-coa dehydrogenase deficiency. Last evaluated: 2025-06-05. Review status: criteria provided, single submitter. Criteria: Natera Variant Classification Schema (03/2026). Collection method: clinical testing. Allele origin: germline.
Comment: The c.1241G>A variant in IVD is a missense variant predicted to cause substitution of arginine to glutamine at amino acid 414. This variant is rare in the general population with a frequency below the threshold expected for the associated phenotype(s). Functional studies show that this variant may disrupt protein function (PMID: 34535384). A different variant at the same position has been determined to be Pathogenic or Likely Pathogenic. Computational prediction algorithms indicate this variant is likely to affect gene or protein function. Given the available evidence, this variant is classified as Likely Pathogenic.

Baylor Genetics
Classification: Likely pathogenic for Isovaleryl-CoA dehydrogenase deficiency. Last evaluated: 2024-03-22. Review status: criteria provided, single submitter. Criteria: ACMG Guidelines, 2015. Collection method: clinical testing. Allele origin: unknown.

Fulgent Genetics
Classification: Likely pathogenic for Isovaleryl-CoA dehydrogenase deficiency. Last evaluated: 2024-01-22. Review status: criteria provided, single submitter. Criteria: ACMG Guidelines, 2015. Collection method: clinical testing. Allele origin: germline.

Department of Pathology and Laboratory Medicine, Sinai Health System
Classification: Likely pathogenic for Isovaleryl-CoA dehydrogenase deficiency. Last evaluated: 2022-12-31. Review status: criteria provided, single submitter. Criteria: ACMG Guidelines, 2015. Collection method: research. Allele origin: germline.

Women's Health and Genetics/Laboratory Corporation of America, LabCorp
Classification: Uncertain significance. Last evaluated: 2022-06-02. Review status: criteria provided, single submitter. Criteria: LabCorp Variant Classification Summary - May 2015. Collection method: clinical testing. Allele origin: germline.
Comment: Variant summary: IVD c.1232G>A (p.Arg411Gln) results in a conservative amino acid change in the last exon of the encoded protein sequence. Four of five in-silico tools predict a damaging effect of the variant on protein function. The variant allele was found at a frequency of 6.4e-05 in 251482 control chromosomes. This frequency is not significantly higher than expected for a pathogenic variant in IVD causing Isovaleryl-CoA Dehydrogenase Deficiency (6.4e-05 vs 0.0022), allowing no conclusion about variant significance. c.1232G>A, also known as c.1241G>A, has been reported in a heterozygous pediatric individual affected with Isovaleryl-CoA Dehydrogenase Deficiency without long term complications (example: Molema_2018). Two other variations affecting the same amino acid are associated with Isovaleric acidaemia in HGMD (p.R411L and p.411W), suggesting that this is a critical amino acid in the protein. Four clinical diagnostic laboratories have submitted clinical-significance assessments for this variant to ClinVar after 2014 and classified the variant as VUS (n=2) and likely pathogenic (n=2). Based on the evidence outlined above, the variant was classified as VUS - possibly pathogenic.

Illumina Laboratory Services, Illumina
Classification: Uncertain significance for Isovaleryl-CoA dehydrogenase deficiency. Last evaluated: 2018-02-20. Review status: criteria provided, single submitter. Criteria: ICSL Variant Classification Criteria 13 December 2019. Collection method: clinical testing. Allele origin: germline.

GeneDx
Classification: Likely pathogenic. Last evaluated: 2017-07-13. Review status: criteria provided, single submitter. Criteria: GeneDx Variant Classification (06012015). Collection method: clinical testing. Allele origin: germline. Affected: yes.
Comment: The R414Q variant has not been published as a pathogenic variant, nor has it been reported as a benign variant to our knowledge. The R414Q variant is observed in 1/11578 (0.01%) alleles from individuals of Latino background, in large population cohorts (Lek et al., 2016; 1000 Genomes Consortium et al., 2015; Exome Variant Server). The R414Q variant is a semi-conservative amino acid substitution, which may impact secondary protein structure as these residues differ in some properties. This substitution occurs at a position that is conserved across species. R414 is an important residue for stability and activity of the isovaleryl-CoA dehydrogenase enzyme, and a different missense change at this position (R414L) has been reported, using alternate nomenclature, to be associated with 7% of wild-type enzyme activity when expressed in E. coli (Mohsen et al. 1998). Furthermore, in silico analysis predicts that the R414Q variant is probably damaging to the protein structure/function. In summary, we interpret the R414Q variant as likely pathogenic; however, the possibility that it is benign cannot be excluded.

Neuberg Centre For Genomic Medicine, NCGM
Classification: Uncertain significance for Isovaleryl-CoA dehydrogenase deficiency. Review status: criteria provided, single submitter. Criteria: ACMG Guidelines, 2015. Collection method: clinical testing. Allele origin: germline. Affected: yes.
Comment: The missense variant p.R411Q in IVD (NM_002225.5) has been submitted to ClinVar as Pathogenic/Uncertain Significance. The variant has not been reported in literature in affected indiviudals. The p.R411Q variant is observed in 12/10,080 (0.119%) alleles from individuals of Ashkenazi Jewish background in gnomAD Exomes and in 1/978 (0.1022%) alleles from individuals of South Asian background in 1000 Genomes. The p.R411Q missense variant is predicted to be damaging by both SIFT and PolyPhen2. The arginine residue at codon 411 of IVD is conserved in all mammalian species. The nucleotide c.1232 in IVD is predicted conserved by GERP++ and PhyloP across 100 vertebrates. For these reasons, this variant has been classified as Uncertain Significance.

Counsyl
Classification: Uncertain significance for Isovaleryl-CoA dehydrogenase deficiency. Last evaluated: 2018-04-09. Review status: no assertion criteria provided. Collection method: clinical testing. Allele origin: unknown. Not counted in ClinVar's aggregate classification.

Literature cited by the submitters: PubMed 30159853 (cited by Labcorp Genetics (formerly Invitae), Labcorp and Women's Health and Genetics/Laboratory Corporation of America, LabCorp); PubMed 34535384 (cited by 3 submitters); PubMed 9665741 (cited by Labcorp Genetics (formerly Invitae), Labcorp); PubMed 25220015 (cited by Labcorp Genetics (formerly Invitae), Labcorp).